The following is an entry in ClinVar:

ClinVar aggregate classification (germline): Pathogenic (1 of 4 stars; one submission).

Conditions:
Birt-Hogg-Dube syndrome. Also called: Birt Hogg Dubé syndrome. Identifiers: Orphanet 122, MedGen C0346010, MONDO:0800444.

Submission:

Labcorp Genetics (formerly Invitae), Labcorp
Classification: Pathogenic for Multiple fibrofolliculomas. Last evaluated: 2018-12-26. Review status: criteria provided, single submitter. Criteria: Invitae Variant Classification Sherloc (09022015). Collection method: clinical testing. Allele origin: germline.
Comment: A gross deletion of the genomic region encompassing the full coding sequence of the FLCN gene has been identified. The boundaries of this event are unknown as the deletion extends beyond the assayed region for this gene and therefore may encompass additional genes. Whole gene deletion of FLCN has not been reported in the literature in individuals with FLCN-related conditions. Loss-of-function variants in FLCN are known to be pathogenic (PMID: 15852235). For these reasons, this variant has been classified as Pathogenic.

NC_000017.11:g.(?_17213645)_(17237188_?)del

Gene: FLCN (folliculin; minus strand). Cytogenetic location: 17p11.2.
Variant type: Deletion.
Identifiers: ClinVar variation 642628 (VCV000642628.1).